The following is an entry in ClinVar:

NM_006017.3(PROM1):c.522C>G (p.Phe174Leu)

Gene: PROM1 (prominin 1; minus strand). Cytogenetic location: 4p15.32.
Variant type: single nucleotide variant.
Coding change: c.522C>G on transcript NM_006017.3 (MANE Select); coding-DNA position 522, C replaced by G.
Protein change: p.Phe174Leu; replaces phenylalanine 174 with leucine.
Molecular consequence: missense variant.
Genome position (GRCh38, 1-based): chr4:16,025,300, G>C on the plus strand (C>G on the coding strand, the complement: PROM1 is on the minus strand). VCF-style: chr4-16025300-G-C. GRCh37 (hg19) VCF-style: chr4-16026923-G-C.
Other names: c.495C>G, p.Phe165Leu (NM_001145847.2, NM_001145848.2, NM_001145851.2 and 4 more transcripts); c.522C>G, p.Phe174Leu (NM_001145849.2, NM_001145850.2); short protein forms F165L, F174L.
Identifiers: ClinVar variation 1059308 (VCV001059308.10), dbSNP rs1479926378, ClinGen allele CA356424926.
Genomic context (GRCh38, chr4:16,025,300, plus strand): 5'-TGCCAGTTTCCGACTCCTTTTGATCCGGGTTCTTACCTGGTGATTTGCCACAAAACCATA[G>C]AAGATGCCAATGCTGCAGGAAAAGGCAGAGAGAAGAAAGAGCATTTACTGTGTGGTCCAT-3'
Protein context (NP_006008.1, residues 164-184): VICIIISIGI[Phe174Leu]YGFVANHQVR

ClinVar aggregate classification (germline): Uncertain significance (1 of 4 stars; one submission).

Allele frequency attached by ClinVar (database versions not stated): gnomAD 0.00001; TOPMed 0.00001.
gnomAD v4.1: 23 of 1,613,776 alleles (0.0014%); highest among the groups gnomAD compares: Non-Finnish European, 0.0019%; no homozygotes.

Submission:

Labcorp Genetics (formerly Invitae), Labcorp
Classification: Uncertain significance. Last evaluated: 2025-12-31. Review status: criteria provided, single submitter. Criteria: Invitae Variant Classification Sherloc (09022015). Collection method: clinical testing. Allele origin: germline.
Comment: This sequence change replaces phenylalanine, which is neutral and non-polar, with leucine, which is neutral and non-polar, at codon 174 of the PROM1 protein (p.Phe174Leu). This variant is not present in population databases (gnomAD no frequency). This variant has not been reported in the literature in individuals affected with PROM1-related conditions. ClinVar contains an entry for this variant (Variation ID: 1059308). Invitae Evidence Modeling of protein sequence and biophysical properties (such as structural, functional, and spatial information, amino acid conservation, physicochemical variation, residue mobility, and thermodynamic stability) indicates that this missense variant is not expected to disrupt PROM1 protein function with a negative predictive value of 80%. In summary, the available evidence is currently insufficient to determine the role of this variant in disease. Therefore, it has been classified as a Variant of Uncertain Significance.